The following is an entry in ClinVar:

ClinVar aggregate classification (germline): Uncertain significance (1 of 4 stars; one submission).

Conditions:
3-Methylglutaconic aciduria type 2 (BTHS). Also called: CARDIOSKELETAL MYOPATHY WITH NEUTROPENIA AND ABNORMAL MITOCHONDRIA; Barth syndrome. Identifiers: Orphanet 111, MedGen C0574083, MONDO:0010543, OMIM 302060.

Allele frequency attached by ClinVar (database versions not stated): gnomAD exomes 0.00001.

Submission:

Labcorp Genetics (formerly Invitae), Labcorp
Classification: Uncertain significance for 3-Methylglutaconic aciduria type 2. Last evaluated: 2021-05-31. Review status: criteria provided, single submitter. Criteria: Invitae Variant Classification Sherloc (09022015). Collection method: clinical testing. Allele origin: germline.
Comment: This sequence change replaces valine with isoleucine at codon 220 of the TAZ protein (p.Val220Ile). The valine residue is moderately conserved and there is a small physicochemical difference between valine and isoleucine. This variant is not present in population databases (ExAC no frequency). This variant has not been reported in the literature in individuals with TAZ-related conditions. Experimental studies and prediction algorithms are not available or were not evaluated, and the functional significance of this variant is currently unknown. In summary, the available evidence is currently insufficient to determine the role of this variant in disease. Therefore, it has been classified as a Variant of Uncertain Significance.

NM_000116.5(TAFAZZIN):c.658G>A (p.Val220Ile)

Gene: TAFAZZIN (tafazzin, phospholipid-lysophospholipid transacylase; plus strand). Cytogenetic location: Xq28.
Variant type: single nucleotide variant.
Coding change: c.658G>A on transcript NM_000116.5 (MANE Select); coding-DNA position 658, G replaced by A.
Protein change: p.Val220Ile; replaces valine 220 with isoleucine.
Molecular consequence: missense variant. On other transcripts: non-coding transcript variant (1).
Genome position (GRCh38, 1-based): chrX:154,420,223, G>A. VCF-style: chrX-154420223-G-A. GRCh37 (hg19) VCF-style: chrX-153648562-G-A.
Other names: c.670G>A, p.Val224Ile (NM_001303465.2); c.622G>A, p.Val208Ile (NM_001410698.1); c.568G>A, p.Val190Ile (NM_181311.4); c.616G>A, p.Val206Ile (NM_181312.4); c.526G>A, p.Val176Ile (NM_181313.4); short protein forms V220I, V224I, V206I, V208I, V176I, V190I.
Identifiers: ClinVar variation 2041129 (VCV002041129.1), dbSNP rs1557194167, ClinGen allele CA415185111.